The following is an entry in ClinVar:

ClinVar aggregate classification (germline): Uncertain significance (1 of 4 stars; one submission).

Submission:

GeneDx
Classification: Uncertain significance. Last evaluated: 2020-12-28. Review status: criteria provided, single submitter. Criteria: GeneDx Variant Classification Process June 2021. Collection method: clinical testing. Allele origin: germline. Affected: yes.
Comment: Not observed in large population cohorts (Lek et al., 2016); In silico analysis supports that this missense variant does not alter protein structure/function; Has not been previously published as pathogenic or benign to our knowledge

NM_015046.7(SETX):c.370C>A (p.Leu124Ile)

Gene: SETX (senataxin; minus strand). Cytogenetic location: 9q34.13.
Variant type: single nucleotide variant.
Coding change: c.370C>A on transcript NM_015046.7 (MANE Select); coding-DNA position 370, C replaced by A.
Protein change: p.Leu124Ile; replaces leucine 124 with isoleucine.
Molecular consequence: missense variant.
Genome position (GRCh38, 1-based): chr9:132,346,279, G>T on the plus strand (C>A on the coding strand, the complement: SETX is on the minus strand). VCF-style: chr9-132346279-G-T. GRCh37 (hg19) VCF-style: chr9-135221666-G-T.
Other names: c.370C>A, p.Leu124Ile (NM_001351527.2, NM_001351528.2); short protein forms L124I.
Identifiers: ClinVar variation 1253980 (VCV001253980.2), dbSNP rs1488062133, ClinGen allele CA375351076.